The following is an entry in ClinVar:

ClinVar aggregate classification (germline): Uncertain significance. Review status: criteria provided, multiple submitters, no conflicts (2 of 4 stars). 2 submissions from 2 submitters: Uncertain significance (2). Last evaluated 2024-02-26.

Conditions:
Hypertrophic cardiomyopathy. Also called: HYPERTROPHIC MYOCARDIOPATHY. Identifiers: Orphanet 217569, MedGen C0007194, MeSH D002312, MONDO:0005045, HP:0001639.

Allele frequency attached by ClinVar (database versions not stated): ExAC 0.00002; gnomAD exomes 0.00002 and 0.00003; gnomAD 0.00003; TOPMed 0.00003; ESP Exome Variant Server 0.00008.
gnomAD v4.1: 41 of 1,612,646 alleles (0.0025%); highest among the groups gnomAD compares: Non-Finnish European, 0.0032%; no homozygotes.

Submissions (2):

Labcorp Genetics (formerly Invitae), Labcorp
Classification: Uncertain significance for Hypertrophic cardiomyopathy. Last evaluated: 2024-02-26. Review status: criteria provided, single submitter. Criteria: Invitae Variant Classification Sherloc (09022015). Collection method: clinical testing. Allele origin: germline.
Comment: This sequence change replaces lysine, which is basic and polar, with glutamic acid, which is acidic and polar, at codon 1142 of the MYOM1 protein (p.Lys1142Glu). This variant is present in population databases (rs371004562, gnomAD 0.006%). This variant has not been reported in the literature in individuals affected with MYOM1-related conditions. ClinVar contains an entry for this variant (Variation ID: 1474377). Advanced modeling of protein sequence and biophysical properties (such as structural, functional, and spatial information, amino acid conservation, physicochemical variation, residue mobility, and thermodynamic stability) performed at Invitae indicates that this missense variant is not expected to disrupt MYOM1 protein function with a negative predictive value of 80%. In summary, the available evidence is currently insufficient to determine the role of this variant in disease. Therefore, it has been classified as a Variant of Uncertain Significance.

Ambry Genetics
Classification: Uncertain significance. Last evaluated: 2023-04-05. Review status: criteria provided, single submitter. Criteria: Ambry Variant Classification Scheme 2023. Collection method: clinical testing. Allele origin: germline.
Comment: The p.K1142E variant (also known as c.3424A>G), located in coding exon 22 of the MYOM1 gene, results from an A to G substitution at nucleotide position 3424. The lysine at codon 1142 is replaced by glutamic acid, an amino acid with similar properties. This amino acid position is conserved. In addition, the in silico prediction for this alteration is inconclusive. Since supporting evidence is limited at this time, the clinical significance of this alteration remains unclear.

NM_003803.4(MYOM1):c.3424A>G (p.Lys1142Glu)

Gene: MYOM1 (myomesin 1; minus strand). Cytogenetic location: 18p11.31.
Variant type: single nucleotide variant.
Coding change: c.3424A>G on transcript NM_003803.4 (MANE Select); coding-DNA position 3424, A replaced by G.
Protein change: p.Lys1142Glu; replaces lysine 1142 with glutamic acid.
Molecular consequence: missense variant.
Genome position (GRCh38, 1-based): chr18:3,102,625, T>C on the plus strand (A>G on the coding strand, the complement: MYOM1 is on the minus strand). VCF-style: chr18-3102625-T-C. GRCh37 (hg19) VCF-style: chr18-3102623-T-C.
Other names: c.3136A>G, p.Lys1046Glu (NM_019856.2); c.3424A>G (NM_003803.3); short protein forms K1046E, K1142E.
Identifiers: ClinVar variation 1474377 (VCV001474377.10), dbSNP rs371004562, ClinGen allele CA8874285.